The following is an entry in ClinVar:

ClinVar aggregate classification (germline): Uncertain significance (1 of 4 stars; one submission).

Conditions:
Familial acute necrotizing encephalopathy (IIAE3). Also called: ENCEPHALOPATHY, ACUTE, INFECTION-INDUCED, SUSCEPTIBILITY TO, 3; Susceptibility to Acute Necrotizing Encephalopathy 1. Identifiers: Orphanet 88619, MedGen C2675556, MONDO:0011953, OMIM 608033.

Allele frequency attached by ClinVar (database versions not stated): gnomAD exomes below 0.00001.
gnomAD v4.1: 5 of 1,611,680 alleles (0.00031%); highest among the groups gnomAD compares: Non-Finnish European, 0.00042%; no homozygotes.

Submission:

Labcorp Genetics (formerly Invitae), Labcorp
Classification: Uncertain significance for Familial acute necrotizing encephalopathy. Last evaluated: 2024-10-15. Review status: criteria provided, single submitter. Criteria: Invitae Variant Classification Sherloc (09022015). Collection method: clinical testing. Allele origin: germline.
Comment: This sequence change replaces phenylalanine, which is neutral and non-polar, with isoleucine, which is neutral and non-polar, at codon 2611 of the RANBP2 protein (p.Phe2611Ile). This variant is not present in population databases (gnomAD no frequency). This variant has not been reported in the literature in individuals affected with RANBP2-related conditions. ClinVar contains an entry for this variant (Variation ID: 1016140). Invitae Evidence Modeling of protein sequence and biophysical properties (such as structural, functional, and spatial information, amino acid conservation, physicochemical variation, residue mobility, and thermodynamic stability) indicates that this missense variant is not expected to disrupt RANBP2 protein function with a negative predictive value of 80%. In summary, the available evidence is currently insufficient to determine the role of this variant in disease. Therefore, it has been classified as a Variant of Uncertain Significance.

NM_006267.5(RANBP2):c.7831T>A (p.Phe2611Ile)

Gene: RANBP2 (RAN binding protein 2; plus strand). Cytogenetic location: 2q13.
Variant type: single nucleotide variant.
Coding change: c.7831T>A on transcript NM_006267.5 (MANE Select); coding-DNA position 7831, T replaced by A.
Protein change: p.Phe2611Ile; replaces phenylalanine 2611 with isoleucine.
Molecular consequence: missense variant.
Genome position (GRCh38, 1-based): chr2:108,768,370, T>A. VCF-style: chr2-108768370-T-A. GRCh37 (hg19) VCF-style: chr2-109384826-T-A.
Other names: short protein forms F2611I.
Identifiers: ClinVar variation 1016140 (VCV001016140.9), dbSNP rs1677259383, ClinGen allele CA348080586.